The following is an entry in ClinVar:

NM_000264.5(PTCH1):c.2648C>T (p.Ala883Val)

Gene: PTCH1 (patched 1; minus strand). Cytogenetic location: 9q22.32.
Variant type: single nucleotide variant.
Coding change: c.2648C>T on transcript NM_000264.5 (MANE Select); coding-DNA position 2648, C replaced by T.
Protein change: p.Ala883Val; replaces alanine 883 with valine.
Molecular consequence: missense variant. On other transcripts: non-coding transcript variant (1).
Genome position (GRCh38, 1-based): chr9:95,461,911, G>A on the plus strand (C>T on the coding strand, the complement: PTCH1 is on the minus strand). VCF-style: chr9-95461911-G-A. GRCh37 (hg19) VCF-style: chr9-98224193-G-A.
Other names: c.2645C>T, p.Ala882Val (NM_001083603.3); c.2195C>T, p.Ala732Val (NM_001083604.3, NM_001083605.3, NM_001083606.3 and 1 more transcripts); c.2492C>T, p.Ala831Val (NM_001354918.2); c.2450C>T, p.Ala817Val (NM_001083602.3); short protein forms A882V, A817V, A831V, A883V, A732V.
Identifiers: ClinVar variation 5027443 (VCV005027443.1).

ClinVar aggregate classification (germline): Uncertain significance (1 of 4 stars; one submission).

Conditions:
Hereditary cancer-predisposing syndrome. Also called: Neoplastic Syndromes, Hereditary; Tumor predisposition; Hereditary neoplastic syndrome; Hereditary Cancer Syndrome. Identifiers: Orphanet 140162, MedGen C0027672, MeSH D009386, MONDO:0015356.

Submission:

Ambry Genetics
Classification: Uncertain significance for Hereditary cancer-predisposing syndrome. Last evaluated: 2026-06-16. Review status: criteria provided, single submitter. Criteria: Ambry Variant Classification Scheme 2023. Collection method: clinical testing. Allele origin: germline.
Comment: The p.A883V variant (also known as c.2648C>T), located in coding exon 16 of the PTCH1 gene, results from a C to T substitution at nucleotide position 2648. The alanine at codon 883 is replaced by valine, an amino acid with similar properties. This amino acid position is conserved. In addition, this alteration is predicted to be deleterious by in silico analysis. Based on the available evidence, the clinical significance of this variant remains unclear.